The following is an entry in ClinVar:

ClinVar aggregate classification (germline): Likely benign (1 of 4 stars; one submission).

Allele frequency attached by ClinVar (database versions not stated): TOPMed 0.00009.

Submission:

ARUP Laboratories, Molecular Genetics and Genomics, ARUP Laboratories
Classification: Likely benign. Last evaluated: 2018-05-06. Review status: criteria provided, single submitter. Criteria: ARUP Molecular Germline Variant Investigation Process. Collection method: clinical testing. Allele origin: germline.
Comment: The GDF2 c.-12C>T variant (rs571429116), to our knowledge, is not reported in the medical literature or gene specific databases. This variant is found in the general population with an overall allele frequency of 0.006% (2/30934 alleles) in the Genome Aggregation Database. This variant occurs in the 5' untranslated region at a nucleotide that is moderately conserved, but computational analyses (NetStart 1.0, Promoter 2.0) predict that this variant does not significantly alter transcription or translation initiation. Based on available information, this variant is considered to be likely benign.

NM_016204.4(GDF2):c.-12C>T

Gene: GDF2 (growth differentiation factor 2; plus strand). Cytogenetic location: 10q11.22.
Variant type: single nucleotide variant.
Coding change: c.-12C>T on transcript NM_016204.4 (MANE Select); 12 bases upstream of the start codon, C replaced by T.
Molecular consequence: 5 prime UTR variant.
Genome position (GRCh38, 1-based): chr10:47,322,657, C>T. VCF-style: chr10-47322657-C-T. GRCh37 (hg19) VCF-style: chr10-48416705-G-A.
Identifiers: ClinVar variation 618663 (VCV000618663.9), dbSNP rs571429116, ClinGen allele CA5488234.